The following is an entry in ClinVar:

ClinVar aggregate classification (germline): Conflicting classifications of pathogenicity. Review status: criteria provided, conflicting classifications (1 of 4 stars). 4 submissions from 4 submitters: Likely pathogenic (3); Uncertain significance (1). Last evaluated 2026-04-29.

Conditions:
Thrombomodulin-related bleeding disorder (THPH12). Also called: Thrombophilia due to thrombomodulin defect. Identifiers: Orphanet 436169, MedGen C3280976, MONDO:0013775, OMIM 614486.
Atypical hemolytic-uremic syndrome with thrombomodulin anomaly. Also called: HEMOLYTIC UREMIC SYNDROME, ATYPICAL, SUSCEPTIBILITY TO, 6; AHUS, SUSCEPTIBILITY TO, 6. Identifiers: MedGen C2752036, MONDO:0013044, OMIM 612926. Disease mechanism: gain of function.
Abnormal thrombosis. Identifiers: MedGen C4025731, HP:0001977.

Submissions (4):

Service of Pediatric Gastrohepatology and Metabolic Diseases, University of Medicine of Tirana
Classification: Likely pathogenic for Thrombomodulin-related bleeding disorder. Last evaluated: 2026-04-29. Review status: criteria provided, single submitter. Criteria: ACMG Guidelines, 2015. Collection method: clinical testing. Allele origin: germline. Inheritance: Autosomal dominant inheritance. Affected: yes. Observed: 1 variant allele.
Comment: THBD c.245del was classified as Likely pathogenic using ACMG/AMP 2015 criteria (PMID:25741868). The deletion is predicted to disrupt the coding sequence, supporting PVS1/PM4-type evidence depending on the final transcript effect, with PM2 for rarity/absence in population databases when reviewed and PP4 for phenotype consistency with thrombophilia due to thrombomodulin defect (OMIM:614486).

Genomenon, Inc
Classification: Uncertain significance for Thrombomodulin-related bleeding disorder. Last evaluated: 2025-09-22. Review status: criteria provided, single submitter. Criteria: Genomenon Sequence Variant Interpretation Standards - Updated. Collection method: curation. Allele origin: germline. Affected: no.
Comment: THBD p.Gly82AlafsTer79 (c.245del) is a frameshift variant that results in the production of a truncated protein. This variant has been reported in the published literature (PMID:31064749). It is absent or not present at a significant frequency in gnomAD. In conclusion, we classify THBD p.Gly82AlafsTer79 (c.245del) as a variant of unknown significance.

NIHR Bioresource Rare Diseases, University of Cambridge
Classification: Likely pathogenic for Abnormal thrombosis. Last evaluated: 2019-02-01. Review status: criteria provided, single submitter. Criteria: ACMG Guidelines, 2015. Collection method: research. Allele origin: unknown. Affected: yes. Observed: 1 heterozygote. Study: ThromboGenomics.

Arcensus
Classification: Likely pathogenic for Atypical hemolytic-uremic syndrome with thrombomodulin anomaly. Last evaluated: 2013-02-01. Review status: criteria provided, single submitter. Criteria: ACMG Guidelines, 2015. Collection method: clinical testing. Allele origin: germline. Affected: yes.

Literature cited by the submitters: PubMed 31064749 (cited by Genomenon, Inc and NIHR Bioresource Rare Diseases, University of Cambridge).

NM_000361.3(THBD):c.245del (p.Gly82fs)

Gene: THBD (thrombomodulin; minus strand). Cytogenetic location: 20p11.21.
Variant type: Deletion.
Coding change: c.245del on transcript NM_000361.3 (MANE Select); coding-DNA position 245, one base deleted (G; older notation c.245delG).
Protein change: p.Gly82fs; shifts the reading frame from glycine 82.
Molecular consequence: frameshift variant.
Genome position (GRCh38, 1-based): chr20:23,049,260, C deleted on the plus strand (G on the coding strand, the reverse complement: THBD is on the minus strand); the first of 2 consecutive C bases (chr20:23,049,260-23,049,261); deleting either gives the same sequence. VCF-style (leftmost placement, unchanged base first): chr20-23049259-GC-G. GRCh37 (hg19) VCF-style: chr20-23029896-GC-G.
Other names: c.245delG (NM_000361.2); short protein forms G82fs.
Identifiers: ClinVar variation 627282 (VCV000627282.20), dbSNP rs1600410451, ClinGen allele CA915953097.